The following is an entry in ClinVar:

NC_000012.12:g.121626941G>A

Genes: ORAI1 (ORAI calcium release-activated calcium modulator 1; plus strand), LOC130008987 (ATAC-STARR-seq lymphoblastoid silent region 4981; plus strand). Cytogenetic location: 12q24.31.
Variant type: single nucleotide variant.
Genome position: GRCh38 VCF-style: chr12-121626941-G-A. GRCh37 (hg19) VCF-style: chr12-122064847-G-A.
Other names: c.194G>A, p.Ser65Asn (NM_032790.4); short protein forms S65N.
Identifiers: ClinVar variation 1517850 (VCV001517850.6), dbSNP rs782424304, ClinGen allele CA244608511.
Genomic context (GRCh38, chr12:121,626,941, plus strand): 5'-CGCCGCCGTCCGCCGTCACCTACCCGGACTGGATCGGCCAGAGTTACTCCGAGGTGATGA[G>A]CCTCAACGAGCACTCCATGCAGGCGCTGTCCTGGCGCAAGCTCTACTTGAGCCGCGCCAA-3'

ClinVar aggregate classification (germline): Uncertain significance (1 of 4 stars; one submission).

Conditions:
Combined immunodeficiency due to ORAI1 deficiency. Also called: IMMUNODEFICIENCY 9. Identifiers: Orphanet 169090, Orphanet 317428, MedGen C2748568, MONDO:0013007, OMIM 612782.
Myopathy, tubular aggregate, 2 (TAM2). Identifiers: MedGen C4014557, MONDO:0014383, OMIM 615883.

Submission:

Labcorp Genetics (formerly Invitae), Labcorp
Classification: Uncertain significance for Myopathy, tubular aggregate, 2; Combined immunodeficiency due to ORAI1 deficiency. Last evaluated: 2025-09-02. Review status: criteria provided, single submitter. Criteria: Invitae Variant Classification Sherloc (09022015). Collection method: clinical testing. Allele origin: germline.
Comment: This sequence change replaces serine, which is neutral and polar, with asparagine, which is neutral and polar, at codon 65 of the ORAI1 protein (p.Ser65Asn). This variant is present in population databases (rs782424304, gnomAD 0.009%). This variant has not been reported in the literature in individuals affected with ORAI1-related conditions. ClinVar contains an entry for this variant (Variation ID: 1517850). Experimental studies and prediction algorithms are not available or were not evaluated, and the functional significance of this variant is currently unknown. In summary, the available evidence is currently insufficient to determine the role of this variant in disease. Therefore, it has been classified as a Variant of Uncertain Significance.